The following is an entry in ClinVar:

ClinVar aggregate classification (germline): Conflicting classifications of pathogenicity. Review status: criteria provided, conflicting classifications (1 of 4 stars). 3 submissions from 3 submitters: Uncertain significance (1); Likely benign (2). Last evaluated 2026-08-14.

Conditions:
Inborn genetic diseases. Identifiers: MedGen C0950123, MeSH D030342.
AARS1-related disorder. Also called: AARS1-related condition.
Charcot-Marie-Tooth disease type 2. Also called: Charcot-Marie-Tooth type 2. Identifiers: Orphanet 64746, MedGen C0270914, MONDO:0018993.

Allele frequency attached by ClinVar (database versions not stated): gnomAD exomes 0.00004 and 0.00007; TOPMed 0.00005; gnomAD 0.00006; ESP Exome Variant Server 0.00008; ExAC 0.00012.

Submissions (3):

PreventionGenetics, part of Exact Sciences
Classification: Uncertain significance for AARS1-related condition. Last evaluated: 2026-08-14. Review status: criteria provided, single submitter. Criteria: ACMG Guidelines, 2015. Collection method: clinical testing. Allele origin: germline.
Comment: The AARS1 c.1996G>A variant is predicted to result in the amino acid substitution p.Val666Ile. To our knowledge, this variant has not been reported in the literature. This variant is reported in 0.032% of alleles in individuals of Ashkenazi Jewish descent in gnomAD. At this time, the clinical significance of this variant is uncertain due to the absence of conclusive functional and genetic evidence.

Labcorp Genetics (formerly Invitae), Labcorp
Classification: Likely benign for Charcot-Marie-Tooth disease type 2. Last evaluated: 2025-09-03. Review status: criteria provided, single submitter. Criteria: Invitae Variant Classification Sherloc (09022015). Collection method: clinical testing. Allele origin: germline.

Ambry Genetics
Classification: Likely benign for Inborn genetic diseases. Last evaluated: 2020-03-19. Review status: criteria provided, single submitter. Criteria: Ambry Variant Classification Scheme 2023. Collection method: clinical testing. Allele origin: germline.

NM_001605.3(AARS1):c.1996G>A (p.Val666Ile)

Gene: AARS1 (alanyl-tRNA synthetase 1; minus strand). Cytogenetic location: 16q22.1.
Variant type: single nucleotide variant.
Coding change: c.1996G>A on transcript NM_001605.3 (MANE Select); coding-DNA position 1996, G replaced by A.
Protein change: p.Val666Ile; replaces valine 666 with isoleucine.
Molecular consequence: missense variant.
Genome position (GRCh38, 1-based): chr16:70,258,214, C>T on the plus strand (G>A on the coding strand, the complement: AARS1 is on the minus strand). VCF-style: chr16-70258214-C-T. GRCh37 (hg19) VCF-style: chr16-70292117-C-T.
Other names: short protein forms V666I.
Identifiers: ClinVar variation 476736 (VCV000476736.10), dbSNP rs374254987, ClinGen allele CA8140590.